The following is an entry in ClinVar:

NM_001242896.3(DEPDC5):c.1385_1386del (p.Ala461_Tyr462insTer)

Gene: DEPDC5 (DEP domain containing 5, GATOR1 subcomplex subunit; plus strand). Cytogenetic location: 22q12.3.
Variant type: Deletion.
Coding change: c.1385_1386del on transcript NM_001242896.3 (MANE Select); coding-DNA positions 1385 to 1386, 2 bases deleted (AT; older notation c.1385_1386delAT).
Protein change: p.Ala461_Tyr462insTer.
Molecular consequence: nonsense. On other transcripts: non-coding transcript variant (5).
Genome position (GRCh38, 1-based): chr22:31,810,581-31,810,582, AT deleted; deleting any 2 consecutive bases within chr22:31,810,580-31,810,582 gives the same sequence; the c. name uses the placement nearest the transcript's 3' end. VCF-style (leftmost placement, unchanged base first): chr22-31810579-CTA-C. GRCh37 (hg19) VCF-style: chr22-32206565-CTA-C.
Other names: c.1385_1386del, p.Ala461_Tyr462insTer (NM_001007188.4, NM_001136029.4, NM_001242897.2 and 7 more transcripts); c.1301_1302del, p.Ala433_Tyr434insTer (NM_001369901.1, NM_001369902.1).
Identifiers: ClinVar variation 466450 (VCV000466450.8), dbSNP rs1555882921, ClinGen allele CA658658916.
Genomic context (GRCh38, chr22:31,810,579, plus strand): 5'-AGCTCTCGGGAGTCCAAAAGAATCTGAGAACGCCCTTCCCATCCAAGTAGATTATGACGC[CTA>C]TGACGCTCAAGTGTTCAGGCTGCCCGGCCCATCCCGGGCCCAGTGCCTCACCACCTGCAG-3'

ClinVar aggregate classification (germline): Pathogenic (1 of 4 stars; one submission).

Conditions:
Familial focal epilepsy with variable foci (FPEVF). Identifiers: Orphanet 98820, MedGen C1858477, MONDO:0020310.

Submission:

Labcorp Genetics (formerly Invitae), Labcorp
Classification: Pathogenic for Familial focal epilepsy with variable foci. Last evaluated: 2017-01-20. Review status: criteria provided, single submitter. Criteria: Invitae Variant Classification Sherloc (09022015). Collection method: clinical testing. Allele origin: germline.
Comment: This sequence change creates a premature translational stop signal at codon 462 (p.Tyr462*) of the DEPDC5 gene. It is expected to result in an absent or disrupted protein product. While this particular variant has not been reported in the literature, loss-of-function variants in DEPDC5 are known to be pathogenic (PMID: 27173016). For these reasons, this variant has been classified as Pathogenic.

Literature cited by the submitters: PubMed 27173016.